The following is an entry in ClinVar:

NM_001134363.3(RBM20):c.1275+36G>A

Gene: RBM20 (RNA binding motif protein 20; plus strand). Cytogenetic location: 10q25.2.
Variant type: single nucleotide variant.
Coding change: c.1275+36G>A on transcript NM_001134363.3 (MANE Select); 36 bases into the intron after coding-DNA position 1275, G replaced by A.
Molecular consequence: intron variant.
Genome position (GRCh38, 1-based): chr10:110,781,920, G>A. VCF-style: chr10-110781920-G-A. GRCh37 (hg19) VCF-style: chr10-112541678-G-A.
Other names: c.1275+36G>A (NM_001134363.2).
Identifiers: ClinVar variation 671181 (VCV000671181.3), dbSNP rs61862867, ClinGen allele CA5688573.

ClinVar aggregate classification (germline): Benign. Review status: criteria provided, multiple submitters, no conflicts (2 of 4 stars). 3 submissions from 3 submitters: Benign (3). Last evaluated 2026-09-21.

Allele frequency attached by ClinVar (database versions not stated): gnomAD exomes 0.28626 and 0.23389; 1000 Genomes Project 30x 0.13039; TOPMed 0.19779; 1000 Genomes Project 0.13299; ExAC 0.23793; gnomAD 0.21340 and 0.21544.
gnomAD v4.1: 431,152 of 1,550,632 alleles (28%); highest among the groups gnomAD compares: Non-Finnish European, 31%; 64,382 homozygotes.

Submissions (3):

Molecular Diagnostic Laboratory for Inherited Cardiovascular Disease, Montreal Heart Institute
Classification: Benign. Last evaluated: 2026-09-21. Review status: criteria provided, single submitter. Criteria: ACMG Guidelines, 2015. Collection method: clinical testing. Allele origin: germline. Affected: no.
Comment: BA1

GeneDx
Classification: Benign. Last evaluated: 2018-06-15. Review status: criteria provided, single submitter. Criteria: GeneDx Variant Classification (06012015). Collection method: clinical testing. Allele origin: germline. Affected: yes.
Comment: This variant is considered likely benign or benign based on one or more of the following criteria: it is a conservative change, it occurs at a poorly conserved position in the protein, it is predicted to be benign by multiple in silico algorithms, and/or has population frequency not consistent with disease.

Breakthrough Genomics
Classification: Benign. Review status: criteria provided, single submitter. Criteria: ACMG Guidelines, 2015. Collection method: not provided. Allele origin: germline. Inheritance: Autosomal dominant inheritance. Affected: yes.